The following is an entry in ClinVar:

NM_001031709.3(RNLS):c.701-1445T>C

Gene: RNLS (renalase, FAD dependent amine oxidase; minus strand). Cytogenetic location: 10q23.31.
Variant type: single nucleotide variant.
Coding change: c.701-1445T>C on transcript NM_001031709.3 (MANE Select); 1445 bases into the intron before coding-DNA position 701, T replaced by C.
Molecular consequence: intron variant.
Genome position (GRCh38, 1-based): chr10:88,316,086, A>G on the plus strand (T>C on the coding strand, the complement: RNLS is on the minus strand). VCF-style: chr10-88316086-A-G. GRCh37 (hg19) VCF-style: chr10-90075843-A-G.
Other names: c.701-1445T>C (NM_018363.4).
Identifiers: ClinVar variation 1526267 (VCV001526267.3), dbSNP rs10887800, ClinGen allele CA13198264.
Genomic context (GRCh38, chr10:88,316,086, plus strand): 5'-GAACCCTGGTTTATGAATTTTATGGCAAAACACAAGAGAAGAGAGTCCCAACATGCTGCA[A>G]ACTTTTTAAAGTGAAGTGAATGCTTCCAAGGAGTTTCACATATACGAGGTGAGGGACCTG-3'

ClinVar aggregate classification (germline): association (0 of 4 stars; one submission).

Conditions:
Family history. Also called: Family history of clinical finding. Identifiers: MedGen C0241889, HP:0032316.

Allele frequency attached by ClinVar (database versions not stated): TOPMed 0.42908; gnomAD 0.44255 and 0.45010; 1000 Genomes Project 30x 0.46377; 1000 Genomes Project 0.46765.
gnomAD v4.1: 68,248 of 151,996 alleles (45%); highest among the groups gnomAD compares: South Asian, 59%; 15,888 homozygotes.

Submission:

Bioinformatics & Molecular Biology Unit, Faculty of Science, Al-Azhar University
Classification: association for Family history. Review status: no assertion criteria provided. Collection method: case-control. Allele origin: germline. Inheritance: Codominant. Affected: no.
Comment: The C-G haplotype represented by the SNPs rs2296545 and rs10887800 in the RNLS gene may have a role in the pathophysiology of CKD in patients with a family history.

Literature cited by the submitters: DOI 10.21608/GEGET.2022.216790.